The following is an entry in ClinVar:

ClinVar aggregate classification (germline): Conflicting classifications of pathogenicity. Review status: criteria provided, conflicting classifications (1 of 4 stars). 2 submissions from 2 submitters: Likely pathogenic (1); Uncertain significance (1). Last evaluated 2022-02-03.

Conditions:
DiGeorge syndrome. Also called: THIRD AND FOURTH PHARYNGEAL POUCH SYNDROME; Catch22. Identifiers: Orphanet 567, MedGen C0012236, MONDO:0008564, OMIM 188400.
TBX1-related disorder. Also called: TBX1-Related Disorders; TBX1-related condition.

Submissions (2):

Labcorp Genetics (formerly Invitae), Labcorp
Classification: Uncertain significance for DiGeorge syndrome. Last evaluated: 2022-02-03. Review status: criteria provided, single submitter. Criteria: Invitae Variant Classification Sherloc (09022015). Collection method: clinical testing. Allele origin: germline.
Comment: This sequence change replaces aspartic acid, which is acidic and polar, with asparagine, which is neutral and polar, at codon 337 of the TBX1 protein (p.Asp337Asn). This variant also falls at the last nucleotide of exon 8, which is part of the consensus splice site for this exon. In summary, the available evidence is currently insufficient to determine the role of this variant in disease. Therefore, it has been classified as a Variant of Uncertain Significance. Variants that disrupt the consensus splice site are a relatively common cause of aberrant splicing (PMID: 17576681, 9536098). Algorithms developed to predict the effect of sequence changes on RNA splicing suggest that this variant may disrupt the consensus splice site. Algorithms developed to predict the effect of missense changes on protein structure and function are either unavailable or do not agree on the potential impact of this missense change (SIFT: "Deleterious"; PolyPhen-2: "Benign"; Align-GVGD: "Class C0"). This variant has not been reported in the literature in individuals affected with TBX1-related conditions. This variant is not present in population databases (gnomAD no frequency).

Blueprint Genetics
Classification: Likely pathogenic for TBX1-related disorders. Last evaluated: 2021-07-12. Review status: criteria provided, single submitter. Criteria: ACMG Guidelines, 2015. Collection method: clinical testing. Allele origin: germline. Affected: yes. Observed: 1 variant allele.

Literature cited by the submitters: PubMed 17576681 (cited by Labcorp Genetics (formerly Invitae), Labcorp); PubMed 9536098 (cited by Labcorp Genetics (formerly Invitae), Labcorp).

NM_001379200.1(TBX1):c.1036G>A (p.Asp346Asn)

Gene: TBX1 (T-box transcription factor 1; plus strand). Cytogenetic location: 22q11.21.
Variant type: single nucleotide variant.
Coding change: c.1036G>A on transcript NM_001379200.1 (MANE Select); coding-DNA position 1036, G replaced by A.
Protein change: p.Asp346Asn; replaces aspartic acid 346 with asparagine.
Molecular consequence: missense variant.
Genome position (GRCh38, 1-based): chr22:19,766,002, G>A. VCF-style: chr22-19766002-G-A. GRCh37 (hg19) VCF-style: chr22-19753525-G-A.
Other names: c.1009G>A, p.Gly337Arg (NM_005992.1); c.1009G>A, p.Gly337Ser (NM_080646.2); c.1009G>A, p.Asp337Asn (NM_080647.1); short protein forms D337N, D346N, G337R, G337S.
Identifiers: ClinVar variation 2088943 (VCV002088943.5), dbSNP rs2517855457, ClinGen allele CA410683943.